The following is an entry in ClinVar:

ClinVar aggregate classification (germline): Uncertain significance. Review status: criteria provided, multiple submitters, no conflicts (2 of 4 stars). 3 submissions from 3 submitters: Uncertain significance (3). Last evaluated 2026-01-26.

Conditions:
Distal myopathy with posterior leg and anterior hand involvement. Also called: WILLIAMS DISTAL MYOPATHY. Identifiers: Orphanet 63273, MedGen C3279722, MONDO:0013550, OMIM 614065.
Hypertrophic cardiomyopathy 26. Also called: Cardiomyopathy, familial hypertrophic, 26. Identifiers: Orphanet 75249, MedGen C4310749, MONDO:0014883, OMIM 617047.
Myofibrillar myopathy 5. Also called: Filaminopathy (type); FILAMINOPATHY, AUTOSOMAL DOMINANT. Identifiers: Orphanet 171445, MedGen C1836050, MONDO:0012289, OMIM 609524.
Cardiovascular phenotype. Identifiers: MedGen CN230736.

Allele frequency attached by ClinVar (database versions not stated): gnomAD exomes below 0.00001; gnomAD 0.00003.
gnomAD v4.1: 9 of 1,612,278 alleles (0.00056%); highest among the groups gnomAD compares: African/African-American, 0.0067%; no homozygotes.

Submissions (3):

Labcorp Genetics (formerly Invitae), Labcorp
Classification: Uncertain significance for Distal myopathy with posterior leg and anterior hand involvement; Myofibrillar myopathy 5; Hypertrophic cardiomyopathy 26. Last evaluated: 2026-01-26. Review status: criteria provided, single submitter. Criteria: Invitae Variant Classification Sherloc (09022015). Collection method: clinical testing. Allele origin: germline.
Comment: This sequence change replaces lysine, which is basic and polar, with arginine, which is basic and polar, at codon 2591 of the FLNC protein (p.Lys2591Arg). This variant is present in population databases (no rsID available, gnomAD 0.01%). This variant has not been reported in the literature in individuals affected with FLNC-related conditions. ClinVar contains an entry for this variant (Variation ID: 1760556). Invitae Evidence Modeling of protein sequence and biophysical properties (such as structural, functional, and spatial information, amino acid conservation, physicochemical variation, residue mobility, and thermodynamic stability) indicates that this missense variant is not expected to disrupt FLNC protein function with a negative predictive value of 95%. In summary, the available evidence is currently insufficient to determine the role of this variant in disease. Therefore, it has been classified as a Variant of Uncertain Significance.

GeneDx
Classification: Uncertain significance. Last evaluated: 2024-10-16. Review status: criteria provided, single submitter. Criteria: GeneDx Variant Classification Process June 2021. Collection method: clinical testing. Allele origin: germline. Affected: yes.
Comment: Not observed at significant frequency in large population cohorts (gnomAD); In silico analysis indicates that this missense variant does not alter protein structure/function; Has not been previously published as pathogenic or benign to our knowledge

Ambry Genetics
Classification: Uncertain significance for Cardiovascular phenotype. Last evaluated: 2023-12-31. Review status: criteria provided, single submitter. Criteria: Ambry Variant Classification Scheme 2023. Collection method: clinical testing. Allele origin: germline.
Comment: The p.K2591R variant (also known as c.7772A>G), located in coding exon 46 of the FLNC gene, results from an A to G substitution at nucleotide position 7772. The lysine at codon 2591 is replaced by arginine, an amino acid with highly similar properties. This amino acid position is conserved. In addition, this alteration is predicted to be tolerated by in silico analysis. Since supporting evidence is limited at this time, the clinical significance of this alteration remains unclear.

NM_001458.5(FLNC):c.7772A>G (p.Lys2591Arg)

Genes: FLNC-AS1 (FLNC antisense RNA 1; minus strand), FLNC (filamin C; plus strand). Cytogenetic location: 7q32.1.
Variant type: single nucleotide variant.
Coding change: c.7772A>G on transcript NM_001458.5 (MANE Select); coding-DNA position 7772, A replaced by G.
Protein change: p.Lys2591Arg; replaces lysine 2591 with arginine.
Molecular consequence: missense variant.
Genome position (GRCh38, 1-based): chr7:128,857,328, A>G. VCF-style: chr7-128857328-A-G. GRCh37 (hg19) VCF-style: chr7-128497382-A-G.
Other names: c.7673A>G, p.Lys2558Arg (NM_001127487.2); short protein forms K2591R, K2558R.
Identifiers: ClinVar variation 1760556 (VCV001760556.9), dbSNP rs1168400956, ClinGen allele CA369219967.
Genomic context (GRCh38, chr7:128,857,328, plus strand): 5'-ACCTCATTGCCATCAAGTACGGTGGCCCCCAGCACATCGTGGGCAGCCCCTTCAAGGCCA[A>G]GGTCACTGGTGAGTGCCAGTTTGGGGGAGGTCCACCCAGCCTGCAGCCCAGCCCAGCCTG-3'
Protein context (NP_001449.3, residues 2581-2601): QHIVGSPFKA[Lys2591Arg]VTGPRLSGGH